The following is an entry in ClinVar:

NM_000088.4(COL1A1):c.1952del (p.Pro651fs)

Gene: COL1A1 (collagen type I alpha 1 chain; minus strand). Cytogenetic location: 17q21.33.
Variant type: Deletion.
Coding change: c.1952del on transcript NM_000088.4 (MANE Select); coding-DNA position 1952, one base deleted (C; older notation c.1952delC).
Protein change: p.Pro651fs; shifts the reading frame from proline 651.
Molecular consequence: frameshift variant.
Genome position (GRCh38, 1-based): chr17:50,192,506, G deleted on the plus strand (C on the coding strand, the reverse complement: COL1A1 is on the minus strand); the first of 2 consecutive G bases (chr17:50,192,506-50,192,507); deleting either gives the same sequence. VCF-style (leftmost placement, unchanged base first): chr17-50192505-AG-A. GRCh37 (hg19) VCF-style: chr17-48269866-AG-A.
Other names: short protein forms P651fs.
Identifiers: ClinVar variation 4855795 (VCV004855795.1).

ClinVar aggregate classification (germline): Likely pathogenic (1 of 4 stars; one submission).

Conditions:
COL1A1-related disorder. Also called: COL1A1-related condition; COL1A1- related disease.

Submission:

3billion
Classification: Likely pathogenic for COL1A1-related disorder. Last evaluated: 2025-08-22. Review status: criteria provided, single submitter. Criteria: ACMG Guidelines, 2015. Collection method: clinical testing. Allele origin: germline. Affected: yes.
Comment: The variant is not observed in the gnomAD v4.1.0 dataset. Predicted Consequence/Location: Frameshift: predicted to result in a loss or disruption of normal protein function through nonsense-mediated decay (NMD) or protein truncation. Multiple pathogenic variants are reported downstream of the variant. Therefore, this variant is classified as Likely pathogenic according to the recommendation of ACMG/AMP guideline.